The following is an entry in ClinVar:

ClinVar aggregate classification (germline): Uncertain significance (1 of 4 stars; one submission).

Conditions:
Glycogen storage disease IXb (GSD9B). Also called: GLYCOGENOSIS OF LIVER AND MUSCLE, AUTOSOMAL RECESSIVE; GSD IXb; PHOSPHORYLASE KINASE DEFICIENCY OF LIVER AND MUSCLE, AUTOSOMAL RECESSIVE. Identifiers: Orphanet 79240, MedGen C0543514, MONDO:0009868, OMIM 261750.

Submission:

Juno Genomics, Hangzhou Juno Genomics, Inc
Classification: Uncertain significance for Glycogen storage disease IXb. Review status: criteria provided, single submitter. Criteria: ACMG Guidelines, 2015. Collection method: clinical testing. Allele origin: germline. Affected: yes.
Comment: Absent from controls (or at extremely low frequency if recessive) in Genome Aggregation Database, Exome Sequencing Project, 1000 Genomes Project, or Exome Aggregation Consortium.;Patient's phenotype or family history is highly specific for a disease with a single genetic etiology.;For recessive disorders, detected in trans with a pathogenic variant.

NM_000293.3(PHKB):c.1971G>T (p.Gln657His)

Gene: PHKB (phosphorylase kinase regulatory subunit beta; plus strand). Cytogenetic location: 16q12.1.
Variant type: single nucleotide variant.
Coding change: c.1971G>T on transcript NM_000293.3 (MANE Select); coding-DNA position 1971, G replaced by T.
Protein change: p.Gln657His; replaces glutamine 657 with histidine.
Molecular consequence: missense variant.
Genome position (GRCh38, 1-based): chr16:47,650,921, G>T. VCF-style: chr16-47650921-G-T. GRCh37 (hg19) VCF-style: chr16-47684832-G-T.
Other names: c.1950G>T, p.Gln650His (NM_001031835.3); c.1971G>T, p.Gln657His (NM_001363837.1); short protein forms Q650H, Q657H.
Identifiers: ClinVar variation 3382911 (VCV003382911.2).
Genomic context (GRCh38, chr16:47,650,921, plus strand): 5'-GCTGGCAGCCCTTAAAAAAGGAATAATTGGAGGAGTCAAAGTTCATGTGGATCGTCTACA[G>T]GTAGCCTTCTGATTTTCAGTATGCATCTATTTTCAGGACAGTTAATCTACAATACAGCTA-3'
Protein context (NP_000284.1, residues 647-667): GGVKVHVDRL[Gln657His]TLISGAVVEQ